The following is an entry in ClinVar:

ClinVar aggregate classification (germline): Uncertain significance (1 of 4 stars; one submission).

Conditions:
Oto-palato-digital syndrome, type II (OPD2). Also called: FACIOPALATOOSSEOUS SYNDROME; OPD II SYNDROME; Otopalatodigital Syndrome, Type II; Otopalatodigital Syndrome Type 2 (FLNA-OPD2). Identifiers: Orphanet 669, Orphanet 90652, MedGen C1844696, MONDO:0010571, OMIM 304120.
Heterotopia, periventricular, X-linked dominant (PVNH1). Also called: PERIVENTRICULAR NODULAR HETEROTOPIA 4; HETEROTOPIA, PERIVENTRICULAR, 1; PERIVENTRICULAR NODULAR HETEROTOPIA 1; X-linked periventricular heterotopia. Identifiers: Orphanet 2149, Orphanet 82004, MedGen C1848213, MONDO:0010233, OMIM 300049.
Melnick-Needles syndrome (MNS). Also called: MELNICK-NEEDLES OSTEODYSPLASTY; OSTEODYSPLASTY OF MELNICK AND NEEDLES; Melnick-Needles Syndrome (FLNA-MNS). Identifiers: Orphanet 2484, MedGen C0025237, MONDO:0010650, OMIM 309350.
Frontometaphyseal dysplasia (FMD1). Identifiers: Orphanet 1826, MedGen C0265293, MONDO:0015942.

Allele frequency attached by ClinVar (database versions not stated): gnomAD exomes below 0.00001.
gnomAD v4.1: 3 of 1,210,934 alleles (0.00025%); highest among the groups gnomAD compares: Non-Finnish European, 0.00022%; no homozygotes.

Submission:

Labcorp Genetics (formerly Invitae), Labcorp
Classification: Uncertain significance for Oto-palato-digital syndrome, type II; Heterotopia, periventricular, X-linked dominant; Frontometaphyseal dysplasia; Melnick-Needles syndrome. Last evaluated: 2024-03-04. Review status: criteria provided, single submitter. Criteria: Invitae Variant Classification Sherloc (09022015). Collection method: clinical testing. Allele origin: germline.
Comment: This sequence change replaces glycine, which is neutral and non-polar, with cysteine, which is neutral and slightly polar, at codon 1094 of the FLNA protein (p.Gly1094Cys). This variant is not present in population databases (gnomAD no frequency). This variant has not been reported in the literature in individuals affected with FLNA-related conditions. ClinVar contains an entry for this variant (Variation ID: 1481527). Advanced modeling of protein sequence and biophysical properties (such as structural, functional, and spatial information, amino acid conservation, physicochemical variation, residue mobility, and thermodynamic stability) performed at Invitae indicates that this missense variant is not expected to disrupt FLNA protein function with a negative predictive value of 95%. In summary, the available evidence is currently insufficient to determine the role of this variant in disease. Therefore, it has been classified as a Variant of Uncertain Significance.

NM_001110556.2(FLNA):c.3280G>T (p.Gly1094Cys)

Gene: FLNA (filamin A; minus strand). Cytogenetic location: Xq28.
Variant type: single nucleotide variant.
Coding change: c.3280G>T on transcript NM_001110556.2 (MANE Select); coding-DNA position 3280, G replaced by T.
Protein change: p.Gly1094Cys; replaces glycine 1094 with cysteine.
Molecular consequence: missense variant.
Genome position (GRCh38, 1-based): chrX:154,360,515, C>A on the plus strand (G>T on the coding strand, the complement: FLNA is on the minus strand). VCF-style: chrX-154360515-C-A. GRCh37 (hg19) VCF-style: chrX-153588883-C-A.
Other names: c.3280G>T, p.Gly1094Cys (NM_001456.4); short protein forms G1094C.
Identifiers: ClinVar variation 1481527 (VCV001481527.6), dbSNP rs2067697829, ClinGen allele CA415228976.